The following is an entry in ClinVar:

ClinVar aggregate classification (germline): Likely benign (1 of 4 stars; one submission).

Allele frequency attached by ClinVar (database versions not stated): gnomAD exomes below 0.00001.
gnomAD v4.1: 1 of 1,211,746 alleles (0.000083%); highest among the groups gnomAD compares: Non-Finnish European, 0.00011%; no homozygotes.

Submission:

CeGaT Center for Human Genetics Tuebingen
Classification: Likely benign. Last evaluated: 2023-03-01. Review status: criteria provided, single submitter. Criteria: CeGaT Center For Human Genetics Tuebingen Variant Classification Criteria Version 2. Collection method: clinical testing. Allele origin: germline. Affected: yes. Observed: 2 variant alleles.
Comment: XPNPEP2: PM2:Supporting, BP4, BP7

NM_003399.6(XPNPEP2):c.858C>T (p.Thr286=)

Gene: XPNPEP2 (X-prolyl aminopeptidase 2; plus strand). Cytogenetic location: Xq26.1.
Variant type: single nucleotide variant.
Coding change: c.858C>T on transcript NM_003399.6 (MANE Select); coding-DNA position 858, C replaced by T.
Protein change: p.Thr286=; no amino-acid change (threonine 286 retained).
Molecular consequence: synonymous variant.
Genome position (GRCh38, 1-based): chrX:129,752,186, C>T. VCF-style: chrX-129752186-C-T. GRCh37 (hg19) VCF-style: chrX-128886162-C-T.
Identifiers: ClinVar variation 2661397 (VCV002661397.24), dbSNP rs2522097438, ClinGen allele CA518468549.